The following is an entry in ClinVar:

NM_000551.4(VHL):c.*7C>T

Genes: VHL (von Hippel-Lindau tumor suppressor; plus strand), LOC107303340 (3p25 von Hippel-Lindau tumor suppressor, E3 ubiquitin protein ligase Alu-mediated recombination region; plus strand). Cytogenetic location: 3p25.3.
Variant type: single nucleotide variant.
Coding change: c.*7C>T on transcript NM_000551.4 (MANE Select); 7 bases downstream of the stop codon, C replaced by T.
Molecular consequence: 3 prime UTR variant. On other transcripts: non-coding transcript variant (1).
Genome position (GRCh38, 1-based): chr3:10,149,972, C>T. VCF-style: chr3-10149972-C-T. GRCh37 (hg19) VCF-style: chr3-10191656-C-T.
Other names: c.*203C>T (NM_001354723.2); c.*7C>T (NM_198156.3).
Identifiers: ClinVar variation 4071044 (VCV004071044.1).

ClinVar aggregate classification (germline): Benign (1 of 4 stars; one submission).

Conditions:
Von Hippel-Lindau syndrome (VHLS). Also called: Von Hippel-Lindau; von Hippel–Lindau syndrome; VHL syndrome. Identifiers: Orphanet 892, MedGen C0019562, MONDO:0008667, OMIM 193300. Disease mechanism: loss of function.

gnomAD v4.1: 3 of 1,611,826 alleles (0.00019%); highest among the groups gnomAD compares: Non-Finnish European, 0.00025%; no homozygotes.

Submission:

Myriad Genetics, Inc.
Classification: Benign for Von Hippel-Lindau syndrome. Last evaluated: 2025-06-13. Review status: criteria provided, single submitter. Criteria: Myriad Autosomal Dominant, Autosomal Recessive and X-Linked Classification Criteria (2023). Collection method: clinical testing. Allele origin: unknown.
Comment: This variant is considered benign. This variant occurs in the non-coding 3' untranslated region of the gene, and is not expected to impact protein function.